The following is an entry in ClinVar:

NM_001100913.3(PACS2):c.168G>A (p.Glu56=)

Gene: PACS2 (phosphofurin acidic cluster sorting protein 2; plus strand). Cytogenetic location: 14q32.33.
Variant type: single nucleotide variant.
Coding change: c.168G>A on transcript NM_001100913.3 (MANE Select); coding-DNA position 168, G replaced by A.
Protein change: p.Glu56=; no amino-acid change (glutamic acid 56 retained).
Molecular consequence: synonymous variant. On other transcripts: 5 prime UTR variant (1).
Genome position (GRCh38, 1-based): chr14:105,348,541, G>A. VCF-style: chr14-105348541-G-A. GRCh37 (hg19) VCF-style: chr14-105814878-G-A.
Other names: c.-34G>A (NM_001243127.3); c.168G>A, p.Glu56= (NM_015197.4).
Identifiers: ClinVar variation 1580896 (VCV001580896.31), dbSNP rs782369713, ClinGen allele CA7388268.
Genomic context (GRCh38, chr14:105,348,541, plus strand): 5'-CTTGCCTCACAGGTTGTGCAGCCTGACTCTGAAGAAGCTGGTGGTCTTCAAGGAGCTGGA[G>A]AAGGAGCTGATCTCCGTGGTGATCGCTGTCAAGATGCAGGTGAGGCCGCTTGTGACCCCG-3'
Protein context (NP_001094383.2, residues 46-66): LKKLVVFKEL[Glu56=]KELISVVIAV

ClinVar aggregate classification (germline): Likely benign. Review status: criteria provided, multiple submitters, no conflicts (2 of 4 stars). 2 submissions from 2 submitters: Likely benign (2). Last evaluated 2024-10-15.

Allele frequency attached by ClinVar (database versions not stated): gnomAD exomes 0.00004; ExAC 0.00005; gnomAD 0.00005 and 0.00006; TOPMed 0.00005.
gnomAD v4.1: 68 of 1,612,418 alleles (0.0042%); highest among the groups gnomAD compares: Non-Finnish European, 0.0056%; no homozygotes.

Submissions (2):

Labcorp Genetics (formerly Invitae), Labcorp
Classification: Likely benign. Last evaluated: 2024-10-15. Review status: criteria provided, single submitter. Criteria: Invitae Variant Classification Sherloc (09022015). Collection method: clinical testing. Allele origin: germline.

CeGaT Center for Human Genetics Tuebingen
Classification: Likely benign. Last evaluated: 2023-11-01. Review status: criteria provided, single submitter. Criteria: CeGaT Center For Human Genetics Tuebingen Variant Classification Criteria Version 2. Collection method: clinical testing. Allele origin: germline. Affected: yes. Observed: 1 variant allele.
Comment: PACS2: BP4, BP7